The following is an entry in ClinVar:

NM_001849.4(COL6A2):c.1814G>A (p.Cys605Tyr)

Gene: COL6A2 (collagen type VI alpha 2 chain; plus strand). Cytogenetic location: 21q22.3.
Variant type: single nucleotide variant.
Coding change: c.1814G>A on transcript NM_001849.4 (MANE Select); coding-DNA position 1814, G replaced by A.
Protein change: p.Cys605Tyr; replaces cysteine 605 with tyrosine.
Molecular consequence: missense variant.
Genome position (GRCh38, 1-based): chr21:46,125,309, G>A. VCF-style: chr21-46125309-G-A. GRCh37 (hg19) VCF-style: chr21-47545223-G-A.
Other names: c.1814G>A, p.Cys605Tyr (NM_058174.3, NM_058175.3); short protein forms C605Y.
Identifiers: ClinVar variation 3710527 (VCV003710527.3).

ClinVar aggregate classification (germline): Uncertain significance. Review status: criteria provided, multiple submitters, no conflicts (2 of 4 stars). 2 submissions from 2 submitters: Uncertain significance (2). Last evaluated 2025-10-28.

Conditions:
Inborn genetic diseases. Identifiers: MedGen C0950123, MeSH D030342.
Bethlem myopathy 1A. Also called: MYOPATHY, BENIGN CONGENITAL, WITH CONTRACTURES; Bethlem myopathy 1; Bethlem Muscular Dystrophy. Identifiers: Orphanet 610, MedGen CN029274, MONDO:0024530, OMIM 158810.

gnomAD v4.1: 3 of 1,611,058 alleles (0.00019%); highest among the groups gnomAD compares: Admixed American, 0.0033%; no homozygotes.

Submissions (2):

Ambry Genetics
Classification: Uncertain significance for Inborn genetic diseases. Last evaluated: 2025-10-28. Review status: criteria provided, single submitter. Criteria: Ambry Variant Classification Scheme 2023. Collection method: clinical testing. Allele origin: germline.
Comment: The c.1814G>A (p.C605Y) alteration is located in exon 24 (coding exon 23) of the COL6A2 gene. This alteration results from a G to A substitution at nucleotide position 1814, causing the cysteine (C) at amino acid position 605 to be replaced by a tyrosine (Y). Based on data from gnomAD, the A allele has an overall frequency of <0.001% (1/248436) total alleles studied. The highest observed frequency was 0.003% (1/34404) of Latino alleles. Based on insufficient or conflicting evidence, the clinical significance of this alteration remains unclear.

Labcorp Genetics (formerly Invitae), Labcorp
Classification: Uncertain significance for Bethlem myopathy 1A. Last evaluated: 2024-04-16. Review status: criteria provided, single submitter. Criteria: Invitae Variant Classification Sherloc (09022015). Collection method: clinical testing. Allele origin: germline.
Comment: This sequence change replaces cysteine, which is neutral and slightly polar, with tyrosine, which is neutral and polar, at codon 605 of the COL6A2 protein (p.Cys605Tyr). This variant is present in population databases (rs754625748, gnomAD 0.003%). This variant has not been reported in the literature in individuals affected with COL6A2-related conditions. An algorithm developed to predict the effect of missense changes on protein structure and function (PolyPhen-2) suggests that this variant is likely to be disruptive. In summary, the available evidence is currently insufficient to determine the role of this variant in disease. Therefore, it has been classified as a Variant of Uncertain Significance.